The following is an entry in ClinVar:

NM_001127511.3(APC):c.56C>T (p.Pro19Leu)

Gene: APC (APC regulator of Wnt signaling pathway; plus strand). Cytogenetic location: 5q22.2.
Variant type: single nucleotide variant.
Coding change: c.56C>T on transcript NM_001127511.3; coding-DNA position 56, C replaced by T.
Protein change: p.Pro19Leu; replaces proline 19 with leucine.
Molecular consequence: missense variant. On other transcripts: 5 prime UTR variant (8), non-coding transcript variant (1), intron variant (5).
Genome position (GRCh38, 1-based): chr5:112,707,773, C>T. VCF-style: chr5-112707773-C-T. GRCh37 (hg19) VCF-style: chr5-112043470-C-T.
Other names: c.-128C>T (NM_001354895.2, NM_001407447.1, NM_001407452.1 and 3 more transcripts); c.56C>T, p.Pro19Leu (NM_001354897.2, NM_001354902.2, NM_001407446.1); c.-1163C>T (NM_001407470.1, NM_001407472.1); c.-19+124C>T (NM_001407448.1, NM_001407450.1, NM_001407457.1 and 1 more transcripts); c.-43+124C>T (NM_001407453.1); short protein forms P19L.
Identifiers: ClinVar variation 650349 (VCV000650349.9), dbSNP rs1349659337, ClinGen allele CA360611800.
Genomic context (GRCh38, chr5:112,707,773, plus strand): 5'-CCCCTATGTACGCCTCCCTGGGCTCGGGTCCGGTCGCCCCTTTGCCCGCTTCTGTACCAC[C>T]CTCAGTTCTCGGGTCCTGGAGCACCGGCGGCAGCAGGAGCTGCGTCCGGCAGGAGACGAA-3'

ClinVar aggregate classification (germline): Uncertain significance (1 of 4 stars; one submission).

Conditions:
Familial adenomatous polyposis 1 (FAP1). Also called: FAMILIAL ADENOMATOUS POLYPOSIS 1, ATTENUATED; POLYPOSIS, ADENOMATOUS INTESTINAL. Identifiers: MedGen C2713442, MONDO:0021056, OMIM 175100. Disease mechanism: loss of function.

Allele frequency attached by ClinVar (database versions not stated): gnomAD exomes below 0.00001; gnomAD 0.00001.

Submission:

Labcorp Genetics (formerly Invitae), Labcorp
Classification: Uncertain significance for Familial adenomatous polyposis 1. Last evaluated: 2025-12-01. Review status: criteria provided, single submitter. Criteria: Invitae Variant Classification Sherloc (09022015). Collection method: clinical testing. Allele origin: germline.
Comment: This variant occurs in a non-coding region of the APC gene. It does not change the encoded amino acid sequence of the APC protein. This variant is present in population databases (no rsID available, gnomAD 0.1%). This variant has not been reported in the literature in individuals affected with APC-related conditions. ClinVar contains an entry for this variant (Variation ID: 650349). Experimental studies and prediction algorithms are not available or were not evaluated, and the functional significance of this variant is currently unknown. In summary, the available evidence is currently insufficient to determine the role of this variant in disease. Therefore, it has been classified as a Variant of Uncertain Significance.